The following is an entry in ClinVar:

NM_001298.3(CNGA3):c.946T>G (p.Trp316Gly)

Gene: CNGA3 (cyclic nucleotide gated channel subunit alpha 3; plus strand). Cytogenetic location: 2q11.2.
Variant type: single nucleotide variant.
Coding change: c.946T>G on transcript NM_001298.3 (MANE Select); coding-DNA position 946, T replaced by G.
Protein change: p.Trp316Gly; replaces tryptophan 316 with glycine.
Molecular consequence: missense variant.
Genome position (GRCh38, 1-based): chr2:98,396,116, T>G. VCF-style: chr2-98396116-T-G. GRCh37 (hg19) VCF-style: chr2-99012579-T-G.
Other names: c.892T>G, p.Trp298Gly (NM_001079878.2); short protein forms W316G, W298G.
Identifiers: ClinVar variation 952788 (VCV000952788.9), dbSNP rs1692906608, ClinGen allele CA347832484.

ClinVar aggregate classification (germline): Likely pathogenic (1 of 4 stars; one submission).

Allele frequency attached by ClinVar (database versions not stated): gnomAD exomes below 0.00001.

Submission:

Labcorp Genetics (formerly Invitae), Labcorp
Classification: Likely pathogenic. Last evaluated: 2022-11-29. Review status: criteria provided, single submitter. Criteria: Invitae Variant Classification Sherloc (09022015). Collection method: clinical testing. Allele origin: germline.
Comment: In summary, the currently available evidence indicates that the variant is pathogenic, but additional data are needed to prove that conclusively. Therefore, this variant has been classified as Likely Pathogenic. Advanced modeling of protein sequence and biophysical properties (such as structural, functional, and spatial information, amino acid conservation, physicochemical variation, residue mobility, and thermodynamic stability) performed at Invitae indicates that this missense variant is expected to disrupt CNGA3 protein function. ClinVar contains an entry for this variant (Variation ID: 952788). This missense change has been observed in individual(s) with achromatopsia (Invitae). In at least one individual the data is consistent with being in trans (on the opposite chromosome) from a pathogenic variant. This variant is not present in population databases (gnomAD no frequency). This sequence change replaces tryptophan, which is neutral and slightly polar, with glycine, which is neutral and non-polar, at codon 316 of the CNGA3 protein (p.Trp316Gly).